The following is an entry in ClinVar:

ClinVar aggregate classification (germline): Uncertain significance (1 of 4 stars; one submission).

Conditions:
SLC9A1-related disorder. Also called: SLC9A1-related condition.

Submission:

PreventionGenetics, part of Exact Sciences
Classification: Uncertain significance for SLC9A1-related condition. Last evaluated: 2026-06-27. Review status: criteria provided, single submitter. Criteria: ACMG Guidelines, 2015. Collection method: clinical testing. Allele origin: germline.
Comment: The SLC9A1 c.751A>G variant is predicted to result in the amino acid substitution p.Ile251Val. To our knowledge, this variant has not been reported in the literature or in a large population database (gnomAD), indicating this variant is rare. At this time, the clinical significance of this variant is uncertain due to the absence of conclusive functional and genetic evidence.

NM_003047.5(SLC9A1):c.751A>G (p.Ile251Val)

Gene: SLC9A1 (solute carrier family 9 member A1; minus strand). Cytogenetic location: 1p36.11.
Variant type: single nucleotide variant.
Coding change: c.751A>G on transcript NM_003047.5 (MANE Select); coding-DNA position 751, A replaced by G.
Protein change: p.Ile251Val; replaces isoleucine 251 with valine.
Molecular consequence: missense variant.
Genome position (GRCh38, 1-based): chr1:27,113,888, T>C on the plus strand (A>G on the coding strand, the complement: SLC9A1 is on the minus strand). VCF-style: chr1-27113888-T-C. GRCh37 (hg19) VCF-style: chr1-27440379-T-C.
Other names: short protein forms I251V.
Identifiers: ClinVar variation 4983724 (VCV004983724.1).